The following is an entry in ClinVar:

ClinVar aggregate classification (germline): Uncertain significance (1 of 4 stars; one submission).

Conditions:
Hereditary cancer-predisposing syndrome. Also called: Hereditary Cancer Syndrome; Neoplastic Syndromes, Hereditary; Hereditary neoplastic syndrome; Tumor predisposition. Identifiers: Orphanet 140162, MedGen C0027672, MeSH D009386, MONDO:0015356.

Submission:

Ambry Genetics
Classification: Uncertain significance for Hereditary cancer-predisposing syndrome. Last evaluated: 2016-05-17. Review status: criteria provided, single submitter. Criteria: Ambry Variant Classification Scheme 2023. Collection method: clinical testing. Allele origin: germline.
Comment: The p.C1482S variant (also known as c.4445G>C), located in coding exon 29 of the ATM gene, results from a G to C substitution at nucleotide position 4445. The cysteine at codon 1482 is replaced by serine, an amino acid with dissimilar properties. This variant was not reported in population based cohorts in the following databases: Database of Single Nucleotide Polymorphisms (dbSNP), NHLBI Exome Sequencing Project (ESP), and 1000 Genomes Project. In the ESP, this variant was not observed in 6499 samples (12998 alleles) with coverage at this position. To date, this alteration has been detected with an allele frequency of approximately 0.002% (greater than 150000 alleles tested) in our clinical cohort. This amino acid position is poorly conserved in available vertebrate species. In addition, this alteration is predicted to be tolerated by in silico analysis. Since supporting evidence is limited at this time, the clinical significance of this alteration remains unclear.

NM_000051.4(ATM):c.4445G>C (p.Cys1482Ser)

Gene: ATM (ATM serine/threonine kinase; plus strand). Cytogenetic location: 11q22.3.
Variant type: single nucleotide variant.
Coding change: c.4445G>C on transcript NM_000051.4 (MANE Select); coding-DNA position 4445, G replaced by C.
Protein change: p.Cys1482Ser; replaces cysteine 1482 with serine.
Molecular consequence: missense variant.
Genome position (GRCh38, 1-based): chr11:108,292,627, G>C. VCF-style: chr11-108292627-G-C. GRCh37 (hg19) VCF-style: chr11-108163354-G-C.
Other names: c.4445G>C, p.Cys1482Ser (NM_001351834.2); short protein forms C1482S.
Identifiers: ClinVar variation 429081 (VCV000429081.5), dbSNP rs201277352, ClinGen allele CA382532929.